The following is an entry in ClinVar:

ClinVar aggregate classification (germline): Benign/Likely benign. Review status: criteria provided, multiple submitters, no conflicts (2 of 4 stars). 3 submissions from 3 submitters: Benign (1); Likely benign (1). 1 of the submissions does not count toward it. Last evaluated 2025-10-06.

Conditions:
NNT-related disorder. Also called: NNT-related condition.

Allele frequency attached by ClinVar (database versions not stated): gnomAD 0.00009; gnomAD exomes 0.00012; ExAC 0.00018; TOPMed 0.00018; ESP Exome Variant Server 0.00038.
gnomAD v4.1: 195 of 1,576,014 alleles (0.012%); highest among the groups gnomAD compares: Admixed American, 0.039%; no homozygotes.

Submissions (3):

Labcorp Genetics (formerly Invitae), Labcorp
Classification: Benign. Last evaluated: 2025-10-06. Review status: criteria provided, single submitter. Criteria: Invitae Variant Classification Sherloc (09022015). Collection method: clinical testing. Allele origin: germline.

Blueprint Genetics
Classification: Likely benign. Last evaluated: 2024-10-17. Review status: criteria provided, single submitter. Criteria: ACMG Guidelines, 2015. Collection method: clinical testing. Allele origin: germline.

PreventionGenetics, part of Exact Sciences
Classification: Likely benign for NNT-related condition. Last evaluated: 2019-02-27. Review status: no assertion criteria provided. Collection method: clinical testing. Allele origin: germline. Not counted in ClinVar's aggregate classification.
Comment: This variant is classified as likely benign based on ACMG/AMP sequence variant interpretation guidelines (Richards et al. 2015 PMID: 25741868, with internal and published modifications).

NM_182977.3(NNT):c.1377A>G (p.Glu459=)

Gene: NNT (nicotinamide nucleotide transhydrogenase; plus strand). Cytogenetic location: 5p12.
Variant type: single nucleotide variant.
Coding change: c.1377A>G on transcript NM_182977.3 (MANE Select); coding-DNA position 1377, A replaced by G.
Protein change: p.Glu459=; no amino-acid change (glutamic acid 459 retained).
Molecular consequence: synonymous variant.
Genome position (GRCh38, 1-based): chr5:43,645,443, A>G. VCF-style: chr5-43645443-A-G. GRCh37 (hg19) VCF-style: chr5-43645545-A-G.
Other names: c.1377A>G (NM_012343.3); c.984A>G, p.Glu328= (NM_001331026.2); c.1377A>G, p.Glu459= (NM_012343.4).
Identifiers: ClinVar variation 1981748 (VCV001981748.7), dbSNP rs138669858, ClinGen allele CA3257959.